The following is an entry in ClinVar:

ClinVar aggregate classification (germline): Uncertain significance. Review status: criteria provided, multiple submitters, no conflicts (2 of 4 stars). 5 submissions from 5 submitters: Uncertain significance (4). 1 of the submissions does not count toward it. Last evaluated 2022-07-25.

Conditions:
Cardiovascular phenotype. Identifiers: MedGen CN230736.
Walker-Warburg congenital muscular dystrophy. Also called: Muscular dystrophy-dystroglycanopathy, type A; Walker-Warburg syndrome. Identifiers: Orphanet 899, MedGen C0265221, MONDO:0000171.
Autosomal recessive limb-girdle muscular dystrophy type 2I. Also called: MUSCULAR DYSTROPHY, LIMB-GIRDLE, TYPE 2I; MUSCULAR DYSTROPHY-DYSTROGLYCANOPATHY, LIMB-GIRDLE, FRKP-RELATED; MUSCULAR DYSTROPHY-DYSTROGLYCANOPATHY (LIMB-GIRDLE), TYPE C, 5. Identifiers: Orphanet 34515, MedGen C1846672, MONDO:0011787, OMIM 607155.

Allele frequency attached by ClinVar (database versions not stated): gnomAD exomes 0.00001; TOPMed 0.00002; gnomAD 0.00003.
gnomAD v4.1: 12 of 1,540,700 alleles (0.00078%); highest among the groups gnomAD compares: Non-Finnish European, 0.00096%; no homozygotes.

Submissions (5):

Labcorp Genetics (formerly Invitae), Labcorp
Classification: Uncertain significance for Walker-Warburg congenital muscular dystrophy. Last evaluated: 2022-07-25. Review status: criteria provided, single submitter. Criteria: Invitae Variant Classification Sherloc (09022015). Collection method: clinical testing. Allele origin: germline.
Comment: This sequence change replaces leucine, which is neutral and non-polar, with proline, which is neutral and non-polar, at codon 175 of the FKRP protein (p.Leu175Pro). The frequency data for this variant in the population databases is considered unreliable, as metrics indicate poor data quality at this position in the gnomAD database. This variant has not been reported in the literature in individuals affected with FKRP-related conditions. ClinVar contains an entry for this variant (Variation ID: 598338). Algorithms developed to predict the effect of missense changes on protein structure and function are either unavailable or do not agree on the potential impact of this missense change (SIFT: "Deleterious"; PolyPhen-2: "Possibly Damaging"; Align-GVGD: "Class C0"). In summary, the available evidence is currently insufficient to determine the role of this variant in disease. Therefore, it has been classified as a Variant of Uncertain Significance.

Ambry Genetics
Classification: Uncertain significance for Cardiovascular phenotype. Last evaluated: 2022-04-19. Review status: criteria provided, single submitter. Criteria: Ambry Variant Classification Scheme 2023. Collection method: clinical testing. Allele origin: germline.
Comment: The p.L175P variant (also known as c.524T>C), located in coding exon 1 of the FKRP gene, results from a T to C substitution at nucleotide position 524. The leucine at codon 175 is replaced by proline, an amino acid with similar properties. This amino acid position is conserved. In addition, this alteration is predicted to be deleterious by in silico analysis. Since supporting evidence is limited at this time, the clinical significance of this alteration remains unclear.

Revvity Omics, Revvity
Classification: Uncertain significance. Last evaluated: 2019-06-12. Review status: criteria provided, single submitter. Criteria: ACMG Guidelines, 2015. Collection method: clinical testing. Allele origin: germline.

Eurofins Ntd Llc (ga)
Classification: Uncertain significance. Last evaluated: 2018-08-13. Review status: criteria provided, single submitter. Criteria: EGL ClinVar v180209 classification definitions. Collection method: clinical testing. Allele origin: germline. Observed: 1 variant allele, 1 heterozygote.

Natera, Inc.
Classification: Uncertain significance for Limb-girdle muscular dystrophy type 2I. Last evaluated: 2019-10-28. Review status: no assertion criteria provided. Collection method: clinical testing. Allele origin: germline. Not counted in ClinVar's aggregate classification.

NM_024301.5(FKRP):c.524T>C (p.Leu175Pro)

Gene: FKRP (fukutin related protein; plus strand). Cytogenetic location: 19q13.32.
Variant type: single nucleotide variant.
Coding change: c.524T>C on transcript NM_024301.5 (MANE Select); coding-DNA position 524, T replaced by C.
Protein change: p.Leu175Pro; replaces leucine 175 with proline.
Molecular consequence: missense variant.
Genome position (GRCh38, 1-based): chr19:46,755,974, T>C. VCF-style: chr19-46755974-T-C. GRCh37 (hg19) VCF-style: chr19-47259231-T-C.
Other names: c.524T>C, p.Leu175Pro (NM_001039885.3); short protein forms L175P.
Identifiers: ClinVar variation 598338 (VCV000598338.13), dbSNP rs1318966349, ClinGen allele CA406495497.
Genomic context (GRCh38, chr19:46,755,974, plus strand): 5'-TGGTGGCCGCCCCGGTTGCCACGGCCAACCCTGCCAGGTGCCTGGCCCTGAACGTCAGCC[T>C]GCGAGAGTGGACCGCCCGCTATGGCGCAGCCCCCGCCGCGCCCCGCTGCGACGCCCTGGA-3'
Protein context (NP_077277.1, residues 165-185): PARCLALNVS[Leu175Pro]REWTARYGAA